The following is an entry in ClinVar:

NM_001042492.3(NF1):c.1941T>A (p.His647Gln)

Gene: NF1 (neurofibromin 1; plus strand). Cytogenetic location: 17q11.2.
Variant type: single nucleotide variant.
Coding change: c.1941T>A on transcript NM_001042492.3 (MANE Select); coding-DNA position 1941, T replaced by A.
Protein change: p.His647Gln; replaces histidine 647 with glutamine.
Molecular consequence: missense variant.
Genome position (GRCh38, 1-based): chr17:31,225,190, T>A. VCF-style: chr17-31225190-T-A. GRCh37 (hg19) VCF-style: chr17-29552208-T-A.
Other names: c.1941T>A, p.His647Gln (NM_000267.4); short protein forms H647Q.
Identifiers: ClinVar variation 820388 (VCV000820388.8), dbSNP rs1397958327, ClinGen allele CA399005439.

ClinVar aggregate classification (germline): Conflicting classifications of pathogenicity. Review status: criteria provided, conflicting classifications (1 of 4 stars). 2 submissions from 2 submitters: Uncertain significance (1); Likely benign (1). Last evaluated 2026-06-16.

Conditions:
Cardiovascular phenotype. Identifiers: MedGen CN230736.
Hereditary cancer-predisposing syndrome. Also called: Tumor predisposition; Hereditary Cancer Syndrome; Neoplastic Syndromes, Hereditary; Hereditary neoplastic syndrome. Identifiers: Orphanet 140162, MedGen C0027672, MeSH D009386, MONDO:0015356.
Neurofibromatosis, type 1 (NF1). Also called: NEUROFIBROMATOSIS, TYPE I, SOMATIC; VON RECKLINGHAUSEN DISEASE; Neurofibromatosis, type I; Peripheral type neurofibromatosis. Identifiers: Orphanet 636, MedGen C0027831, MONDO:0018975, OMIM 162200. Disease mechanism: loss of function.

gnomAD v4.1: 1 of 1,613,890 alleles (0.000062%); highest among the groups gnomAD compares: Non-Finnish European, 0.000085%; no homozygotes.

Submissions (2):

Ambry Genetics
Classification: Likely benign for Cardiovascular phenotype; Hereditary cancer-predisposing syndrome. Last evaluated: 2026-06-16. Review status: criteria provided, single submitter. Criteria: Ambry Variant Classification Scheme 2023. Collection method: clinical testing. Allele origin: germline.

Labcorp Genetics (formerly Invitae), Labcorp
Classification: Uncertain significance for Neurofibromatosis, type 1. Last evaluated: 2023-09-12. Review status: criteria provided, single submitter. Criteria: Invitae Variant Classification Sherloc (09022015). Collection method: clinical testing. Allele origin: germline.
Comment: In summary, the available evidence is currently insufficient to determine the role of this variant in disease. Therefore, it has been classified as a Variant of Uncertain Significance. Advanced modeling of protein sequence and biophysical properties (such as structural, functional, and spatial information, amino acid conservation, physicochemical variation, residue mobility, and thermodynamic stability) performed at Invitae indicates that this missense variant is not expected to disrupt NF1 protein function. ClinVar contains an entry for this variant (Variation ID: 820388). This variant has not been reported in the literature in individuals affected with NF1-related conditions. This variant is not present in population databases (gnomAD no frequency). This sequence change replaces histidine, which is basic and polar, with glutamine, which is neutral and polar, at codon 647 of the NF1 protein (p.His647Gln).